The following is an entry in ClinVar:

NM_002705.5(PPL):c.4593C>T (p.Arg1531=)

Gene: PPL (periplakin; minus strand). Cytogenetic location: 16p13.3.
Variant type: single nucleotide variant.
Coding change: c.4593C>T on transcript NM_002705.5 (MANE Select); coding-DNA position 4593, C replaced by T.
Protein change: p.Arg1531=; no amino-acid change (arginine 1531 retained).
Molecular consequence: synonymous variant.
Genome position (GRCh38, 1-based): chr16:4,884,062, G>A on the plus strand (C>T on the coding strand, the complement: PPL is on the minus strand). VCF-style: chr16-4884062-G-A. GRCh37 (hg19) VCF-style: chr16-4934063-G-A.
Identifiers: ClinVar variation 718358 (VCV000718358.27), dbSNP rs117997908, ClinGen allele CA7885319.
Genomic context (GRCh38, chr16:4,884,062, plus strand): 5'-GTTATGGAATTCCAGCTCCGAAAGCCTGGCTTCCAGCCGGCTCACCTCGACGTCCAGCTC[G>A]CGCTTGCTGCGGCTCTCCTCCTCCAGGCTGCTCTTGAGCCTCTGGATCTCTTGCTCGGTG-3'
Protein context (NP_002696.4, residues 1521-1541): SSLEEESRSK[Arg1531=]ELDVEVSRLE

ClinVar aggregate classification (germline): Likely benign. Review status: criteria provided, multiple submitters, no conflicts (2 of 4 stars). 2 submissions from 2 submitters: Likely benign (2). Last evaluated 2022-07-01.

Allele frequency attached by ClinVar (database versions not stated): 1000 Genomes Project 0.00020; ExAC 0.00028; 1000 Genomes Project 30x 0.00031; gnomAD exomes 0.00040; gnomAD 0.00056; TOPMed 0.00064; ESP Exome Variant Server 0.00085.
gnomAD v4.1: 821 of 1,613,188 alleles (0.051%); highest among the groups gnomAD compares: Admixed American, 0.13%; no homozygotes.

Submissions (2):

CeGaT Center for Human Genetics Tuebingen
Classification: Likely benign. Last evaluated: 2022-07-01. Review status: criteria provided, single submitter. Criteria: CeGaT Center For Human Genetics Tuebingen Variant Classification Criteria Version 2. Collection method: clinical testing. Allele origin: germline. Affected: yes. Observed: 1 variant allele.
Comment: PPL: BP4, BP7

Labcorp Genetics (formerly Invitae), Labcorp
Classification: Likely benign. Last evaluated: 2018-05-17. Review status: criteria provided, single submitter. Criteria: Invitae Variant Classification Sherloc (09022015). Collection method: clinical testing. Allele origin: germline.